The following is an entry in ClinVar:

NM_016616.5(NME8):c.442T>C (p.Cys148Arg)

Gene: NME8 (NME/NM23 family member 8; plus strand). Cytogenetic location: 7p14.1.
Variant type: single nucleotide variant.
Coding change: c.442T>C on transcript NM_016616.5 (MANE Select); coding-DNA position 442, T replaced by C.
Protein change: p.Cys148Arg; replaces cysteine 148 with arginine.
Molecular consequence: missense variant.
Genome position (GRCh38, 1-based): chr7:37,863,450, T>C. VCF-style: chr7-37863450-T-C. GRCh37 (hg19) VCF-style: chr7-37903052-T-C.
Other names: short protein forms C148R.
Identifiers: ClinVar variation 4742032 (VCV004742032.1).

ClinVar aggregate classification (germline): Uncertain significance (1 of 4 stars; one submission).

Conditions:
Primary ciliary dyskinesia 6. Also called: Primary Ciliary Dyskinesia 6: TXNDC3-Related Primary Ciliary Dyskinesia. Identifiers: Orphanet 244, MedGen C1970506, MONDO:0012571, OMIM 610852.

gnomAD v4.1: 16 of 1,594,628 alleles (0.001%); highest among the groups gnomAD compares: African/African-American, 0.0027%; no homozygotes.

Submission:

Labcorp Genetics (formerly Invitae), Labcorp
Classification: Uncertain significance for Primary ciliary dyskinesia 6. Last evaluated: 2025-04-22. Review status: criteria provided, single submitter. Criteria: Invitae Variant Classification Sherloc (09022015). Collection method: clinical testing. Allele origin: germline.
Comment: This sequence change replaces cysteine, which is neutral and slightly polar, with arginine, which is basic and polar, at codon 148 of the NME8 protein (p.Cys148Arg). This variant is present in population databases (rs758769017, gnomAD 0.007%). This variant has not been reported in the literature in individuals affected with NME8-related conditions. Invitae Evidence Modeling of protein sequence and biophysical properties (such as structural, functional, and spatial information, amino acid conservation, physicochemical variation, residue mobility, and thermodynamic stability) indicates that this missense variant is not expected to disrupt NME8 protein function with a negative predictive value of 80%. In summary, the available evidence is currently insufficient to determine the role of this variant in disease. Therefore, it has been classified as a Variant of Uncertain Significance.